The following is an entry in ClinVar:

NM_012471.3(TRPC5):c.1929G>A (p.Arg643=)

Gene: TRPC5 (transient receptor potential cation channel subfamily C member 5; minus strand). Cytogenetic location: Xq23.
Variant type: single nucleotide variant.
Coding change: c.1929G>A on transcript NM_012471.3 (MANE Select); coding-DNA position 1929, G replaced by A.
Protein change: p.Arg643=; no amino-acid change (arginine 643 retained).
Molecular consequence: synonymous variant.
Genome position (GRCh38, 1-based): chrX:111,782,106, C>T on the plus strand (G>A on the coding strand, the complement: TRPC5 is on the minus strand). VCF-style: chrX-111782106-C-T. GRCh37 (hg19) VCF-style: chrX-111025334-C-T.
Identifiers: ClinVar variation 3057707 (VCV003057707.2), dbSNP rs777503770, ClinGen allele CA10494234.

ClinVar aggregate classification (germline): Likely benign (0 of 4 stars; one submission).

Conditions:
TRPC5-related disorder. Also called: TRPC5-related condition.

Allele frequency attached by ClinVar (database versions not stated): gnomAD 0.00002; TOPMed 0.00005; gnomAD exomes 0.00007; ExAC 0.00014.
gnomAD v4.1: 72 of 1,208,162 alleles (0.006%); highest among the groups gnomAD compares: Non-Finnish European, 0.0077%; no homozygotes.

Submission:

PreventionGenetics, part of Exact Sciences
Classification: Likely benign for TRPC5-related condition. Last evaluated: 2023-09-10. Review status: no assertion criteria provided. Collection method: clinical testing. Allele origin: germline.
Comment: This variant is classified as likely benign based on ACMG/AMP sequence variant interpretation guidelines (Richards et al. 2015 PMID: 25741868, with internal and published modifications).